The following is an entry in ClinVar:

NM_001458.5(FLNC):c.5489A>G (p.Glu1830Gly)

Genes: FLNC-AS1 (FLNC antisense RNA 1; minus strand), FLNC (filamin C; plus strand). Cytogenetic location: 7q32.1.
Variant type: single nucleotide variant.
Coding change: c.5489A>G on transcript NM_001458.5 (MANE Select); coding-DNA position 5489, A replaced by G.
Protein change: p.Glu1830Gly; replaces glutamic acid 1830 with glycine.
Molecular consequence: missense variant.
Genome position (GRCh38, 1-based): chr7:128,850,893, A>G. VCF-style: chr7-128850893-A-G. GRCh37 (hg19) VCF-style: chr7-128490947-A-G.
Other names: c.5390A>G, p.Glu1797Gly (NM_001127487.2); short protein forms E1797G, E1830G.
Identifiers: ClinVar variation 1954728 (VCV001954728.6), dbSNP rs2536654777, ClinGen allele CA369206867.

ClinVar aggregate classification (germline): Uncertain significance. Review status: criteria provided, multiple submitters, no conflicts (2 of 4 stars). 2 submissions from 2 submitters: Uncertain significance (2). Last evaluated 2025-02-05.

Conditions:
Cardiovascular phenotype. Identifiers: MedGen CN230736.
Myofibrillar myopathy 5. Also called: FILAMINOPATHY, AUTOSOMAL DOMINANT; Filaminopathy (type). Identifiers: Orphanet 171445, MedGen C1836050, MONDO:0012289, OMIM 609524.
Hypertrophic cardiomyopathy 26. Also called: Cardiomyopathy, familial hypertrophic, 26. Identifiers: Orphanet 75249, MedGen C4310749, MONDO:0014883, OMIM 617047.
Distal myopathy with posterior leg and anterior hand involvement. Also called: WILLIAMS DISTAL MYOPATHY. Identifiers: Orphanet 63273, MedGen C3279722, MONDO:0013550, OMIM 614065.

Allele frequency attached by ClinVar (database versions not stated): gnomAD exomes below 0.00001.
gnomAD v4.1: 1 of 1,613,328 alleles (0.000062%); highest among the groups gnomAD compares: Non-Finnish European, 0.000085%; no homozygotes.

Submissions (2):

Ambry Genetics
Classification: Uncertain significance for Cardiovascular phenotype. Last evaluated: 2025-02-05. Review status: criteria provided, single submitter. Criteria: Ambry Variant Classification Scheme 2023. Collection method: clinical testing. Allele origin: germline.

Labcorp Genetics (formerly Invitae), Labcorp
Classification: Uncertain significance for Distal myopathy with posterior leg and anterior hand involvement; Myofibrillar myopathy 5; Hypertrophic cardiomyopathy 26. Last evaluated: 2022-05-17. Review status: criteria provided, single submitter. Criteria: Invitae Variant Classification Sherloc (09022015). Collection method: clinical testing. Allele origin: germline.
Comment: This sequence change replaces glutamic acid, which is acidic and polar, with glycine, which is neutral and non-polar, at codon 1830 of the FLNC protein (p.Glu1830Gly). This variant is not present in population databases (gnomAD no frequency). This variant has not been reported in the literature in individuals affected with FLNC-related conditions. Algorithms developed to predict the effect of missense changes on protein structure and function are either unavailable or do not agree on the potential impact of this missense change (SIFT: "Tolerated"; PolyPhen-2: "Probably Damaging"; Align-GVGD: "Class C0"). In summary, the available evidence is currently insufficient to determine the role of this variant in disease. Therefore, it has been classified as a Variant of Uncertain Significance.